The following is an entry in ClinVar:

NM_012470.4(TNPO3):c.1072G>A (p.Asp358Asn)

Gene: TNPO3 (transportin 3; minus strand). Cytogenetic location: 7q32.1.
Variant type: single nucleotide variant.
Coding change: c.1072G>A on transcript NM_012470.4 (MANE Select); coding-DNA position 1072, G replaced by A.
Protein change: p.Asp358Asn; replaces aspartic acid 358 with asparagine.
Molecular consequence: missense variant. On other transcripts: non-coding transcript variant (17), intron variant (1).
Genome position (GRCh38, 1-based): chr7:128,997,475, C>T on the plus strand (G>A on the coding strand, the complement: TNPO3 is on the minus strand). VCF-style: chr7-128997475-C-T. GRCh37 (hg19) VCF-style: chr7-128637529-C-T.
Other names: c.1072G>A, p.Asp358Asn (NM_001191028.3, NM_001382216.1, NM_001382218.1 and 3 more transcripts); c.1153G>A, p.Asp385Asn (NM_001382217.1); c.928G>A, p.Asp310Asn (NM_001382221.1); c.1011+2954G>A (NM_001382222.1); short protein forms D358N, D385N, D310N.
Identifiers: ClinVar variation 949980 (VCV000949980.10), dbSNP rs377543486, ClinGen allele CA4478252.

ClinVar aggregate classification (germline): Uncertain significance (1 of 4 stars; one submission).

Conditions:
Autosomal dominant limb-girdle muscular dystrophy type 1F (LGMDD2). Also called: Limb-girdle muscular dystrophy, type 1F; MUSCULAR DYSTROPHY, LIMB-GIRDLE, AUTOSOMAL DOMINANT 2. Identifiers: Orphanet 55595, MedGen C1842062, MONDO:0012034, OMIM 608423.

Allele frequency attached by ClinVar (database versions not stated): gnomAD 0.00001; ExAC 0.00002; gnomAD exomes 0.00002 and 0.00003; TOPMed 0.00002; ESP Exome Variant Server 0.00008.
gnomAD v4.1: 20 of 1,613,824 alleles (0.0012%); highest among the groups gnomAD compares: Admixed American, 0.0017%; no homozygotes.

Submission:

Labcorp Genetics (formerly Invitae), Labcorp
Classification: Uncertain significance for Autosomal dominant limb-girdle muscular dystrophy type 1F. Last evaluated: 2025-12-16. Review status: criteria provided, single submitter. Criteria: Invitae Variant Classification Sherloc (09022015). Collection method: clinical testing. Allele origin: germline.
Comment: This sequence change replaces aspartic acid, which is acidic and polar, with asparagine, which is neutral and polar, at codon 358 of the TNPO3 protein (p.Asp358Asn). This variant is present in population databases (rs377543486, gnomAD 0.007%). This variant has not been reported in the literature in individuals affected with TNPO3-related conditions. ClinVar contains an entry for this variant (Variation ID: 949980). Invitae Evidence Modeling of protein sequence and biophysical properties (such as structural, functional, and spatial information, amino acid conservation, physicochemical variation, residue mobility, and thermodynamic stability) indicates that this missense variant is not expected to disrupt TNPO3 protein function with a negative predictive value of 80%. In summary, the available evidence is currently insufficient to determine the role of this variant in disease. Therefore, it has been classified as a Variant of Uncertain Significance.